The following is an entry in ClinVar:

NM_181458.4(PAX3):c.142G>C (p.Gly48Arg)

Gene: PAX3 (paired box 3; minus strand). Cytogenetic location: 2q36.1.
Variant type: single nucleotide variant.
Coding change: c.142G>C on transcript NM_181458.4 (MANE Select); coding-DNA position 142, G replaced by C.
Protein change: p.Gly48Arg; replaces glycine 48 with arginine.
Molecular consequence: missense variant.
Genome position (GRCh38, 1-based): chr2:222,297,157, C>G on the plus strand (G>C on the coding strand, the complement: PAX3 is on the minus strand). VCF-style: chr2-222297157-C-G. GRCh37 (hg19) VCF-style: chr2-223161876-C-G.
Other names: c.142G>C, p.Gly48Arg (NM_000438.6, NM_001127366.3, NM_013942.5 and 4 more transcripts); short protein forms G48R.
Identifiers: ClinVar variation 488038 (VCV000488038.9), dbSNP rs1419548558, ClinGen allele CA351113733.
Genomic context (GRCh38, chr2:222,297,157, plus strand): 5'-GGATGCCGTGGTGGGCCATCTCCACGATCTTGTGGCGGATGTGGTTGGGCAGCGGCCTGC[C>G]GTTGATAAAAACACCGCCGAGCTGGTTGACGCGGCCCTGGCCGAGGGGAGTGGACACTGT-3'
Protein context (NP_852123.1, residues 38-58): VNQLGGVFIN[Gly48Arg]RPLPNHIRHK

ClinVar aggregate classification (germline): Pathogenic/Likely pathogenic. Review status: criteria provided, multiple submitters, no conflicts (2 of 4 stars). 5 submissions from 5 submitters: Pathogenic (3); Likely pathogenic (2). Last evaluated 2026-06-30.

Conditions:
Waardenburg syndrome type 1 (WS1). Also called: WAARDENBURG SYNDROME WITH DYSTOPIA CANTHORUM; Waardenburg Syndrome Type I. Identifiers: Orphanet 894, MedGen C1847800, MONDO:0008670, OMIM 193500.
Waardenburg syndrome type 3 (WS3). Also called: WAARDENBURG SYNDROME WITH UPPER LIMB ANOMALIES; KLEIN-WAARDENBURG SYNDROME; Klein-Waardenberg's syndrome. Identifiers: Orphanet 3440, Orphanet 896, MedGen C0079661, MONDO:0007862, OMIM 148820.

Submissions (5):

GeneDx
Classification: Likely pathogenic. Last evaluated: 2026-06-30. Review status: criteria provided, single submitter. Criteria: GeneDx Variant Classification Process June 2021. Collection method: clinical testing. Allele origin: germline.
Comment: Not observed at significant frequency in large population cohorts (gnomAD); In silico analysis supports that this missense variant has a deleterious effect on protein structure/function; In silico analysis suggests this variant may impact gene splicing. In the absence of RNA/functional studies, the actual effect of this sequence change is unknown.; This variant is associated with the following publications: (PMID: 9654197, 27013732, 8845842, 29407415, Rawat2026[CaseReport])

Labcorp Genetics (formerly Invitae), Labcorp
Classification: Pathogenic. Last evaluated: 2023-11-27. Review status: criteria provided, single submitter. Criteria: Invitae Variant Classification Sherloc (09022015). Collection method: clinical testing. Allele origin: germline.
Comment: This sequence change replaces glycine, which is neutral and non-polar, with arginine, which is basic and polar, at codon 48 of the PAX3 protein (p.Gly48Arg). This variant is not present in population databases (gnomAD no frequency). This missense change has been observed in individuals with Waardenburg syndrome (PMID: 8845842, 29407415). ClinVar contains an entry for this variant (Variation ID: 488038). Advanced modeling of protein sequence and biophysical properties (such as structural, functional, and spatial information, amino acid conservation, physicochemical variation, residue mobility, and thermodynamic stability) performed at Invitae indicates that this missense variant is expected to disrupt PAX3 protein function with a positive predictive value of 95%. This variant disrupts the p.Gly48 amino acid residue in PAX3. Other variant(s) that disrupt this residue have been observed in individuals with PAX3-related conditions (PMID: 8845842, 23512835, 29407415), which suggests that this may be a clinically significant amino acid residue. For these reasons, this variant has been classified as Pathogenic.

Laboratory of Human Genetics, Universidade de São Paulo
Classification: Likely pathogenic for Waardenburg syndrome type 1. Last evaluated: 2017-03-01. Review status: criteria provided, single submitter. Criteria: ACMG Guidelines, 2015. Collection method: research. Allele origin: unknown. Inheritance: Autosomal dominant inheritance. Affected: yes.

Center for Human Genetics, Inc
Classification: Pathogenic for Waardenburg syndrome type 1. Last evaluated: 2016-11-01. Review status: criteria provided, single submitter. Criteria: ACMG Guidelines, 2015. Collection method: clinical testing. Allele origin: germline. Affected: yes.

Clinical Genetics Service, Universitary Hospital 12 de Octubre
Classification: Pathogenic for Waardenburg syndrome type 3. Review status: criteria provided, single submitter. Criteria: ACMG Guidelines, 2015. Collection method: clinical testing. Allele origin: germline. Affected: yes.

Literature cited by the submitters: PubMed 8845842 (cited by Labcorp Genetics (formerly Invitae), Labcorp); PubMed 29407415 (cited by Labcorp Genetics (formerly Invitae), Labcorp and Laboratory of Human Genetics, Universidade de São Paulo); PubMed 23512835 (cited by Labcorp Genetics (formerly Invitae), Labcorp).